The following is an entry in ClinVar:

NM_001009999.3(KDM1A):c.1465G>T (p.Ala489Ser)

Gene: KDM1A (lysine demethylase 1A; plus strand). Cytogenetic location: 1p36.12.
Variant type: single nucleotide variant.
Coding change: c.1465G>T on transcript NM_001009999.3 (MANE Select); coding-DNA position 1465, G replaced by T.
Protein change: p.Ala489Ser; replaces alanine 489 with serine.
Molecular consequence: missense variant.
Genome position (GRCh38, 1-based): chr1:23,071,276, G>T. VCF-style: chr1-23071276-G-T. GRCh37 (hg19) VCF-style: chr1-23397769-G-T.
Other names: c.1393G>T, p.Ala465Ser (NM_001363654.2, NM_001410763.1, NM_015013.4); c.1453G>T, p.Ala485Ser (NM_001410762.1); short protein forms A465S, A485S, A489S.
Identifiers: ClinVar variation 3863304 (VCV003863304.1).

ClinVar aggregate classification (germline): Uncertain significance (1 of 4 stars; one submission).

Conditions:
Inborn genetic diseases. Identifiers: MedGen C0950123, MeSH D030342.

Submission:

Ambry Genetics
Classification: Uncertain significance for Inborn genetic diseases. Last evaluated: 2025-02-02. Review status: criteria provided, single submitter. Criteria: Ambry Variant Classification Scheme 2023. Collection method: clinical testing. Allele origin: germline.
Comment: The p.A489S variant (also known as c.1465G>T), located in coding exon 13 of the KDM1A gene, results from a G to T substitution at nucleotide position 1465. The alanine at codon 489 is replaced by serine, an amino acid with similar properties. This amino acid position is conserved. In addition, this alteration is predicted to be tolerated by in silico analysis. Based on the available evidence, the clinical significance of this variant remains unclear.